The following is an entry in ClinVar:

NM_015570.4:c.(690+1_691-1)_(742+1_743-1)del

Gene: AUTS2 (activator of transcription and developmental regulator AUTS2; plus strand).
Variant type: Deletion.
Other names: c.(690+1_691-1)_(742+1_743-1)del (NM_015570.4).
Identifiers: ClinVar variation 1325825 (VCV001325825.1).

ClinVar aggregate classification (germline): Pathogenic (1 of 4 stars; one submission).

Conditions:
Autism spectrum disorder due to AUTS2 deficiency (MRD26). Also called: INTELLECTUAL DEVELOPMENTAL DISORDER, AUTOSOMAL DOMINANT 26. Identifiers: Orphanet 352490, MedGen C4014435, MONDO:0014361, OMIM 615834.

Submission:

Institute of Human Genetics, University of Leipzig Medical Center
Classification: Pathogenic for Autism spectrum disorder due to AUTS2 deficiency. Last evaluated: 2021-11-09. Review status: criteria provided, single submitter. Criteria: ACMG Guidelines, 2015. Collection method: clinical testing. Allele origin: unknown. Affected: yes.
Comment: _x000D_ Criteria applied: PVS1, PM2_SUP, PS4_MOD